The following is an entry in ClinVar:

NM_000051.4(ATM):c.8671+7A>G

Genes: ATM (ATM serine/threonine kinase; plus strand), C11orf65 (chromosome 11 open reading frame 65; minus strand). Cytogenetic location: 11q22.3.
Variant type: single nucleotide variant.
Coding change: c.8671+7A>G on transcript NM_000051.4 (MANE Select); 7 bases into the intron after coding-DNA position 8671, A replaced by G.
Molecular consequence: intron variant.
Genome position (GRCh38, 1-based): chr11:108,347,372, A>G. VCF-style: chr11-108347372-A-G. GRCh37 (hg19) VCF-style: chr11-108218099-A-G.
Other names: c.8671+7A>G (NM_001351834.2); c.641-38301T>C (NM_001330368.2); c.695-12080T>C (NM_001351110.2).
Identifiers: ClinVar variation 3254201 (VCV003254201.1), dbSNP rs2547463103.

ClinVar aggregate classification (germline): Likely benign. Review status: criteria provided, multiple submitters, no conflicts (2 of 4 stars). 2 submissions from 2 submitters: Likely benign (2). Last evaluated 2025-05-15.

Conditions:
Ataxia-telangiectasia syndrome (AT). Also called: Ataxia-telangiectasia; Ataxia-telangiectasia, complementation group D; AT, COMPLEMENTATION GROUP C; Ataxia-telangiectasia, complementation group E; LOUIS-BAR SYNDROME; Cerebello-oculocutaneous telangiectasia. Identifiers: Orphanet 100, MedGen C0004135, MONDO:0008840, OMIM 208900.
Familial cancer of breast. Also called: hereditary breast carcinoma; BREAST CANCER, FAMILIAL; Hereditary breast cancer. Identifiers: Orphanet 227535, MedGen C0346153, MONDO:0016419, OMIM 114480. Disease mechanism: loss of function.

Submissions (2):

Labcorp Genetics (formerly Invitae), Labcorp
Classification: Likely benign for Ataxia-telangiectasia syndrome. Last evaluated: 2025-05-15. Review status: criteria provided, single submitter. Criteria: Invitae Variant Classification Sherloc (09022015). Collection method: clinical testing. Allele origin: germline.

Myriad Genetics, Inc.
Classification: Likely benign for Familial cancer of breast. Last evaluated: 2024-06-20. Review status: criteria provided, single submitter. Criteria: Myriad Autosomal Dominant, Autosomal Recessive and X-Linked Classification Criteria (2023). Collection method: clinical testing. Allele origin: unknown.
Comment: This variant is considered likely benign. This variant is intronic and is not expected to impact mRNA splicing.